The following is an entry in ClinVar:

ClinVar aggregate classification (germline): Conflicting classifications of pathogenicity. Review status: criteria provided, conflicting classifications (1 of 4 stars). 4 submissions from 3 submitters: Pathogenic (1); Uncertain significance (2). 1 of the submissions does not count toward it. Last evaluated 2016-09-30.

Conditions:
Transitory neonatal diabetes mellitus. Also called: Transient neonatal diabetes mellitus. Identifiers: MedGen C0342273, MONDO:0020525, HP:0008255.
Maturity-onset diabetes of the young (MODY). Also called: Maturity onset diabetes mellitus in young. Identifiers: Orphanet 552, MedGen C0342276, MONDO:0018911, HP:0004904.
Hyperinsulinemic hypoglycemia, familial, 1 (HHF1). Also called: HYPERINSULINISM, FAMILIAL, WITH PANCREATIC NESIDIOBLASTOSIS; HYPOGLYCEMIA, HYPERINSULINEMIC, OF INFANCY; NESIDIOBLASTOSIS OF PANCREAS; Persistent Hyperinsulinemia Hypoglycemia of Infancy; Persistent hyperinsulinemic hypoglycemia of infancy. Identifiers: Orphanet 276575, Orphanet 276598, MedGen C2931832, MONDO:0009734, OMIM 256450.

Submissions (4):

Athena Diagnostics
Classification: Pathogenic. Last evaluated: 2016-09-30. Review status: criteria provided, single submitter. Criteria: Athena Diagnostics Criteria. Collection method: clinical testing. Allele origin: germline.

Clinical Genomics, Uppaluri K&H Personalized Medicine Clinic
Classification: Uncertain significance for Maturity-onset diabetes of the young. Review status: criteria provided, single submitter. Criteria: K & H Uppaluri Personalized Medicine Clinic Variant Classification & Assertion Criteria_Updated V.1. Collection method: research. Allele origin: somatic. Inheritance: Somatic mutation.
Comment: Mutations in ABCC8 gene are associated with both neonatal diabetes mellitus as well as MODY. Patients with this mutation may have a better response to sulfonylureas. However, no sufficient evidence is found to ascertain the role of this particular variant ( rs387906408) in MODY yet.

Clinical Genomics, Uppaluri K&H Personalized Medicine Clinic
Classification: Uncertain significance for Transitory neonatal diabetes mellitus. Review status: criteria provided, single submitter. Criteria: K & H Uppaluri Personalized Medicine Clinic Variant Classification & Assertion Criteria_Updated V.1. Collection method: research. Allele origin: somatic. Inheritance: Somatic mutation.
Comment: Mutations in ABCC8 gene are associated with both neonatal diabetes mellitus as well as MODY. Patients with this mutation may have a better response to sulfonylureas. However, no sufficient evidence is found to ascertain the role of this particular variant ( rs387906408) in neonatal diabetes yet.

OMIM
Classification: Pathogenic for HYPERINSULINEMIC HYPOGLYCEMIA, FAMILIAL, 1. Last evaluated: 2003-09-01. Review status: no assertion criteria provided. Collection method: literature only. Allele origin: germline. Not counted in ClinVar's aggregate classification.

Literature cited by the submitters: PubMed 9469993 (cited by Athena Diagnostics and OMIM); PubMed 12941782 (cited by Athena Diagnostics and OMIM); PubMed 16885549 (cited by Clinical Genomics, Uppaluri K&H Personalized Medicine Clinic); PubMed 21989597 (cited by Clinical Genomics, Uppaluri K&H Personalized Medicine Clinic); PubMed 27538677 (cited by Clinical Genomics, Uppaluri K&H Personalized Medicine Clinic); PubMed 18981553 (cited by Clinical Genomics, Uppaluri K&H Personalized Medicine Clinic); PubMed 32027066 (cited by Clinical Genomics, Uppaluri K&H Personalized Medicine Clinic); PubMed 16613899 (cited by Clinical Genomics, Uppaluri K&H Personalized Medicine Clinic); PubMed 18025408 (cited by Clinical Genomics, Uppaluri K&H Personalized Medicine Clinic); PubMed 32792356 (cited by Clinical Genomics, Uppaluri K&H Personalized Medicine Clinic).

NM_000352.6(ABCC8):c.4154CCT[1] (p.Ser1386del)

Gene: ABCC8 (ATP binding cassette subfamily C member 8; minus strand). Cytogenetic location: 11p15.1.
Variant type: Microsatellite.
Coding change: c.4154CCT[1] on transcript NM_000352.6 (MANE Select); one copy of the 3-base unit CCT starting at c.4154; the reference has two copies in a row; one copy, 3 bases deleted.
Protein change: p.Ser1386del; deletes serine 1386.
Molecular consequence: inframe deletion. On other transcripts: non-coding transcript variant (1).
Genome position (GRCh38, 1-based): chr11:17,395,891-17,395,893, AGG deleted on the plus strand (CCT on the coding strand, the reverse complement: ABCC8 is on the minus strand); deleting any 3 consecutive bases within chr11:17,395,891-17,395,897 gives the same sequence; the position shown is the placement nearest the transcript's 3' end. VCF-style (leftmost placement, unchanged base first): chr11-17395890-AAGG-A. GRCh37 (hg19) VCF-style: chr11-17417437-AAGG-A.
Other names: ABCC8, 3-BP DEL, SER1387DEL; c.4157CCT[1], p.Ser1387del (NM_001287174.3); c.4220CCT[1], p.Ser1408del (NM_001351295.2); c.4154CCT[1], p.Ser1386del (NM_001351296.2); c.4151CCT[1], p.Ser1385del (NM_001351297.2); short protein forms S1386del, S1387del, S1408del, S1385del.
Identifiers: ClinVar variation 9100 (VCV000009100.4), dbSNP rs387906408, ClinGen allele CA254637.